The following is an entry in ClinVar:

NM_203486.3(DLL3):c.1392_1393del (p.Cys464_Glu465delinsTer)

Gene: DLL3 (delta like canonical Notch ligand 3; plus strand). Cytogenetic location: 19q13.2.
Variant type: Microsatellite.
Coding change: c.1392_1393del on transcript NM_203486.3 (MANE Select); coding-DNA positions 1392 to 1393, 2 bases deleted (TG; older notation c.1392_1393delTG).
Protein change: p.Cys464_Glu465delinsTer.
Molecular consequence: nonsense.
Genome position (GRCh38, 1-based): chr19:39,507,337-39,507,338, TG deleted; deleting any 2 consecutive bases within chr19:39,507,334-39,507,338 gives the same sequence; the c. name uses the placement nearest the transcript's 3' end. VCF-style (leftmost placement, unchanged base first): chr19-39507333-GGT-G. GRCh37 (hg19) VCF-style: chr19-39997973-GGT-G.
Other names: c.1392_1393delTG (NM_016941.4); c.1392_1393del, p.Cys464_Glu465delinsTer (NM_016941.4).
Identifiers: ClinVar variation 3617733 (VCV003617733.3).

ClinVar aggregate classification (germline): Pathogenic. Review status: criteria provided, multiple submitters, no conflicts (2 of 4 stars). 2 submissions from 2 submitters: Pathogenic (2). Last evaluated 2026-06-12.

Conditions:
Spondylocostal dysostosis 1, autosomal recessive (SCDO1). Also called: DLL3-Related Spondylocostal Dysostosis, Autosomal Recessive. Identifiers: Orphanet 2311, MedGen CN032975, MONDO:0020692, OMIM 277300.

Submissions (2):

Women's Health and Genetics/Laboratory Corporation of America, LabCorp
Classification: Pathogenic for Spondylocostal dysostosis 1, autosomal recessive. Last evaluated: 2026-06-12. Review status: criteria provided, single submitter. Criteria: LabCorp Variant Classification Summary - May 2015. Collection method: clinical testing. Allele origin: germline.
Comment: Variant summary: DLL3 c.1392_1393delTG (p.Cys464X) results in a premature termination codon, predicted to cause a truncation of the encoded protein or absence of the protein due to nonsense mediated decay, which are commonly known mechanisms for disease. Loss-of-function variants in this gene are known to be pathogenic. The variant was absent in 172562 control chromosomes. To our knowledge, no occurrence of c.1392_1393delTG in individuals affected with DLL3-related conditions and no experimental evidence demonstrating its impact on protein function have been reported. ClinVar contains an entry for this variant (Variation ID: 3617733). Based on the evidence outlined above, the variant was classified as pathogenic.

Labcorp Genetics (formerly Invitae), Labcorp
Classification: Pathogenic. Last evaluated: 2024-06-13. Review status: criteria provided, single submitter. Criteria: Invitae Variant Classification Sherloc (09022015). Collection method: clinical testing. Allele origin: germline.
Comment: This sequence change creates a premature translational stop signal (p.Cys464*) in the DLL3 gene. It is expected to result in an absent or disrupted protein product. Loss-of-function variants in DLL3 are known to be pathogenic (PMID: 12746394). This variant is not present in population databases (gnomAD no frequency). This variant has not been reported in the literature in individuals affected with DLL3-related conditions. Algorithms developed to predict the effect of sequence changes on RNA splicing suggest that this variant may create or strengthen a splice site. For these reasons, this variant has been classified as Pathogenic.

Literature cited by the submitters: PubMed 12746394 (cited by Labcorp Genetics (formerly Invitae), Labcorp).